The following is an entry in ClinVar:

NM_001348768.2(HECW2):c.1072C>G (p.Pro358Ala)

Gene: HECW2 (HECT, C2 and WW domain containing E3 ubiquitin protein ligase 2; minus strand). Cytogenetic location: 2q32.3.
Variant type: single nucleotide variant.
Coding change: c.1072C>G on transcript NM_001348768.2 (MANE Select); coding-DNA position 1072, C replaced by G.
Protein change: p.Pro358Ala; replaces proline 358 with alanine.
Molecular consequence: missense variant.
Genome position (GRCh38, 1-based): chr2:196,319,818, G>C on the plus strand (C>G on the coding strand, the complement: HECW2 is on the minus strand). VCF-style: chr2-196319818-G-C. GRCh37 (hg19) VCF-style: chr2-197184542-G-C.
Other names: c.4C>G, p.Pro2Ala (NM_001304840.3); c.1072C>G, p.Pro358Ala (NM_020760.4); short protein forms P2A, P358A.
Identifiers: ClinVar variation 5001994 (VCV005001994.1).
Genomic context (GRCh38, chr2:196,319,818, plus strand): 5'-CAGCACTGTCCTCAGAAACTGGCCCATTAGAGCACACCTGGCTGTCGTGATGGCTCCCTG[G>C]CATGTCCTCGTCATCGGAAGGGCTACCTAAGTCTCCATTCACAGAATTGACTCCAAGTAT-3'
Protein context (NP_001335697.1, residues 348-368): LGSPSDDEDM[Pro358Ala]GSHHDSQVCS

ClinVar aggregate classification (germline): Uncertain significance (1 of 4 stars; one submission).

Conditions:
HECW2-related disorder. Also called: HECW2-related condition.

Submission:

PreventionGenetics, part of Exact Sciences
Classification: Uncertain significance for HECW2-related condition. Last evaluated: 2026-03-17. Review status: criteria provided, single submitter. Criteria: ACMG Guidelines, 2015. Collection method: clinical testing. Allele origin: germline.
Comment: The HECW2 c.1072C>G variant is predicted to result in the amino acid substitution p.Pro358Ala. To our knowledge, this variant has not been reported in the literature or in a large population database (gnomAD), indicating this variant is rare. At this time, the clinical significance of this variant is uncertain due to the absence of conclusive functional and genetic evidence.